The following is an entry in ClinVar:

NM_004239.4(TRIP11):c.3595G>A (p.Val1199Ile)

Gene: TRIP11 (thyroid hormone receptor interactor 11; minus strand). Cytogenetic location: 14q32.12.
Variant type: single nucleotide variant.
Coding change: c.3595G>A on transcript NM_004239.4 (MANE Select); coding-DNA position 3595, G replaced by A.
Protein change: p.Val1199Ile; replaces valine 1199 with isoleucine.
Molecular consequence: missense variant.
Genome position (GRCh38, 1-based): chr14:92,004,381, C>T on the plus strand (G>A on the coding strand, the complement: TRIP11 is on the minus strand). VCF-style: chr14-92004381-C-T. GRCh37 (hg19) VCF-style: chr14-92470725-C-T.
Other names: c.3592G>A, p.Val1198Ile (NM_001321851.1); short protein forms V1198I, V1199I.
Identifiers: ClinVar variation 1003689 (VCV001003689.7), dbSNP rs553249131, ClinGen allele CA265607810.
Genomic context (GRCh38, chr14:92,004,381, plus strand): 5'-TTACTTGCTGTTTTAACTTGTCACGTTCCTGTAGAAGCTCCTCAAATTGATTACTATTAA[C>T]ACCTCCAGCCTCATTACCAGTGCTGGATGTTTGTAAAACTGCCAATAAAGTCTGACATTT-3'
Protein context (NP_004230.2, residues 1189-1209): TSSTGNEAGG[Val1199Ile]NSNQFEELLQ

ClinVar aggregate classification (germline): Uncertain significance (1 of 4 stars; one submission).

Conditions:
Achondrogenesis, type IA (ACG1A). Identifiers: Orphanet 932, Orphanet 93299, MedGen C0265273, MONDO:0008701, OMIM 200600.

Allele frequency attached by ClinVar (database versions not stated): gnomAD exomes below 0.00001 and 0.00001; gnomAD 0.00001; 1000 Genomes Project 30x 0.00016; 1000 Genomes Project 0.00020.
gnomAD v4.1: 2 of 1,614,064 alleles (0.00012%); highest among the groups gnomAD compares: East Asian, 0.0045%; no homozygotes.

Submission:

Labcorp Genetics (formerly Invitae), Labcorp
Classification: Uncertain significance for Achondrogenesis, type IA. Last evaluated: 2020-07-12. Review status: criteria provided, single submitter. Criteria: Invitae Variant Classification Sherloc (09022015). Collection method: clinical testing. Allele origin: germline.
Comment: In summary, the available evidence is currently insufficient to determine the role of this variant in disease. Therefore, it has been classified as a Variant of Uncertain Significance. Algorithms developed to predict the effect of missense changes on protein structure and function are either unavailable or do not agree on the potential impact of this missense change (SIFT: "Not Available"; PolyPhen-2: "Probably Damaging"; Align-GVGD: "Not Available"). This variant has not been reported in the literature in individuals with TRIP11-related conditions. This variant is not present in population databases (ExAC no frequency). This sequence change replaces valine with isoleucine at codon 1199 of the TRIP11 protein (p.Val1199Ile). The valine residue is moderately conserved and there is a small physicochemical difference between valine and isoleucine.